The following is an entry in ClinVar:

ClinVar aggregate classification (germline): Pathogenic/Likely pathogenic. Review status: criteria provided, multiple submitters, no conflicts (2 of 4 stars). 12 submissions from 11 submitters: Pathogenic (8); Likely pathogenic (2). 2 of the submissions do not count toward it. Last evaluated 2026-01-26.

Conditions:
TNFRSF13B-related disorder. Also called: TNFRSF13B-related condition.
Common variable immunodeficiency (CVID). Also called: Common variable hypogamma-globulinemia; Common variable agammaglobulinemia. Identifiers: Orphanet 1572, MedGen C0009447, MONDO:0015517.
Immunodeficiency, common variable, 2 (CVID2). Also called: ANTIBODY DEFICIENCY DUE TO TACI DEFECT; HYPOGAMMAGLOBULINEMIA DUE TO TACI DEFICIENCY. Identifiers: Orphanet 1572, MedGen C3150354, MONDO:0009413, OMIM 240500.
Immunoglobulin A deficiency 2 (IGAD2). Identifiers: MedGen C1836032, MONDO:0012291, OMIM 609529.

Allele frequency attached by ClinVar (database versions not stated): ExAC 0.00004; gnomAD exomes 0.00004; TOPMed 0.00004; gnomAD 0.00005 and 0.00006; ESP Exome Variant Server 0.00015.
gnomAD v4.1: 156 of 1,613,760 alleles (0.0097%); highest among the groups gnomAD compares: Non-Finnish European, 0.013%; no homozygotes.

Submissions (12):

Labcorp Genetics (formerly Invitae), Labcorp
Classification: Pathogenic for Immunodeficiency, common variable, 2. Last evaluated: 2026-01-26. Review status: criteria provided, single submitter. Criteria: Invitae Variant Classification Sherloc (09022015). Collection method: clinical testing. Allele origin: germline.
Comment: This sequence change creates a premature translational stop signal (p.Tyr164*) in the TNFRSF13B gene. It is expected to result in an absent or disrupted protein product. Loss-of-function variants in TNFRSF13B are known to be pathogenic (PMID: 16007087, 27123465). This variant is present in population databases (rs72553882, gnomAD 0.009%). This premature translational stop signal has been observed in individual(s) with common variable immunodeficiency (CVID) (PMID: 18981294, 27123465). ClinVar contains an entry for this variant (Variation ID: 203368). Algorithms developed to predict the effect of sequence changes on RNA splicing suggest that this variant may disrupt the consensus splice site. For these reasons, this variant has been classified as Pathogenic.

Women's Health and Genetics/Laboratory Corporation of America, LabCorp
Classification: Pathogenic for Common variable immunodeficiency. Last evaluated: 2025-10-31. Review status: criteria provided, single submitter. Criteria: LabCorp Variant Classification Summary - May 2015. Collection method: clinical testing. Allele origin: germline.
Comment: Variant summary: TNFRSF13B c.492C>G (p.Tyr164X) results in a premature termination codon, predicted to cause a truncation of the encoded protein or absence of the protein due to nonsense mediated decay, which are commonly known mechanisms for disease. The variant allele was found at a frequency of 4e-05 in 250590 control chromosomes. This frequency is not significantly higher than estimated for disease-causing variants in TNFRSF13B, allowing no conclusion about variant significance. c.492C>G has been observed in individual(s) affected with Common Variable Immunodeficiency (example: Pulvirenti_2016). These data indicate that the variant is likely to be associated with disease. The following publication has been ascertained in the context of this evaluation (PMID: 27123465). ClinVar contains an entry for this variant (Variation ID: 203368). Based on the evidence outlined above, the variant was classified as pathogenic.

GeneDx
Classification: Pathogenic. Last evaluated: 2025-10-10. Review status: criteria provided, single submitter. Criteria: GeneDx Variant Classification Process June 2021. Collection method: clinical testing. Allele origin: germline. Affected: yes.
Comment: Observed in the heterozygous state or with a pathogenic variant (phase unknown) in multiple patients with common variable immune deficiency in the published literature (PMID: 27123465); Nonsense variant predicted to result in protein truncation or nonsense mediated decay in a gene for which loss of function is a known mechanism of disease; This variant is associated with the following publications: (PMID: 18981294, 29431110, 31589614, 34201032, 27123465)

Institute of Immunology and Genetics Kaiserslautern
Classification: Pathogenic for Immunodeficiency, common variable, 2. Last evaluated: 2025-06-03. Review status: criteria provided, single submitter. Criteria: ACMG Guidelines, 2015. Collection method: clinical testing. Allele origin: germline. Affected: yes.
Comment: ACMG Criteria: PVS1, PS4, PM2, PP5; Variant was found in heterozygous state.

PreventionGenetics, part of Exact Sciences
Classification: Pathogenic for TNFRSF13B-related condition. Last evaluated: 2025-02-12. Review status: criteria provided, single submitter. Criteria: ACMG Guidelines, 2015. Collection method: clinical testing. Allele origin: germline.
Comment: The TNFRSF13B c.492C>G variant is predicted to result in premature protein termination (p.Tyr164*). This variant has been reported in the compound heterozygous and single heterozygous state in individuals with immunodeficiency, common variable and antibody deficiency (Pulvirenti et al. 2016. PubMed ID: 27123465; Salzer et al. 2009. PubMed ID: 18981294). This variant is reported in 0.0093% of alleles in individuals of European (Non-Finnish) descent in gnomAD. Nonsense variants in TNFRSF13B are expected to be pathogenic. This variant is interpreted as pathogenic.

Blueprint Genetics
Classification: Pathogenic for TNFRSF13B-related disorders. Last evaluated: 2024-08-05. Review status: criteria provided, single submitter. Criteria: ACMG Guidelines, 2015. Collection method: clinical testing. Allele origin: germline. Affected: yes. Observed: 5 variant alleles.

Revvity Omics, Revvity
Classification: Likely pathogenic. Last evaluated: 2024-04-04. Review status: criteria provided, single submitter. Criteria: ACMG Guidelines, 2015. Collection method: clinical testing. Allele origin: germline.

Laboratoire de Génétique Moléculaire, CHU Bordeaux
Classification: Pathogenic for Immunodeficiency, common variable, 2. Last evaluated: 2023-07-18. Review status: criteria provided, single submitter. Criteria: ACMG Guidelines, 2015. Collection method: clinical testing. Allele origin: germline. Affected: yes.

Baylor Genetics
Classification: Likely pathogenic for Immunodeficiency, common variable, 2. Last evaluated: 2023-03-02. Review status: criteria provided, single submitter. Criteria: ACMG Guidelines, 2015. Collection method: clinical testing. Allele origin: unknown.

CeGaT Center for Human Genetics Tuebingen
Classification: Pathogenic. Last evaluated: 2022-02-01. Review status: criteria provided, single submitter. Criteria: CeGaT Center For Human Genetics Tuebingen Variant Classification Criteria Version 2. Collection method: clinical testing. Allele origin: germline. Affected: yes. Observed: 1 variant allele.

Division of Human Genetics, Children's Hospital of Philadelphia
Classification: Pathogenic for Immunodeficiency, common variable, 2. Last evaluated: 2014-07-17. Review status: no assertion criteria provided. Collection method: research. Allele origin: germline. Affected: no. Study: CSER-PediSeq. Not counted in ClinVar's aggregate classification.
Comment: The TNFRSF13B variant (c.492C>G; p.Tyr164*) identified in this patient is a nonsense variant which results in a truncated protein, considered a pathogenic variant.

Division of Human Genetics, Children's Hospital of Philadelphia
Classification: Pathogenic for Immunoglobulin A deficiency 2, autosomal recessive. Last evaluated: 2014-07-17. Review status: no assertion criteria provided. Collection method: research. Allele origin: germline. Affected: no. Study: CSER-PediSeq. Not counted in ClinVar's aggregate classification.
Comment: the same text as in the submission from Division of Human Genetics, Children's Hospital of Philadelphia above.

Literature cited by the submitters: PubMed 16007087 (cited by Labcorp Genetics (formerly Invitae), Labcorp); PubMed 27123465 (cited by Labcorp Genetics (formerly Invitae), Labcorp and Women's Health and Genetics/Laboratory Corporation of America, LabCorp); PubMed 18981294 (cited by Labcorp Genetics (formerly Invitae), Labcorp and Division of Human Genetics, Children's Hospital of Philadelphia).

NM_012452.3(TNFRSF13B):c.492C>G (p.Tyr164Ter)

Gene: TNFRSF13B (TNF receptor superfamily member 13B; minus strand). Cytogenetic location: 17p11.2.
Variant type: single nucleotide variant.
Coding change: c.492C>G on transcript NM_012452.3 (MANE Select); coding-DNA position 492, C replaced by G.
Protein change: p.Tyr164Ter; replaces tyrosine 164 with a stop codon.
Molecular consequence: nonsense.
Genome position (GRCh38, 1-based): chr17:16,940,465, G>C on the plus strand (C>G on the coding strand, the complement: TNFRSF13B is on the minus strand). VCF-style: chr17-16940465-G-C. GRCh37 (hg19) VCF-style: chr17-16843779-G-C.
Other names: rs72553882; short protein forms Y164*.
Identifiers: ClinVar variation 203368 (VCV000203368.48), dbSNP rs72553882, ClinGen allele CA203874.